The following is an entry in ClinVar:

NM_001252024.2(TRPM1):c.362T>C (p.Leu121Pro)

Gene: TRPM1 (transient receptor potential cation channel subfamily M member 1; minus strand). Cytogenetic location: 15q13.3.
Variant type: single nucleotide variant.
Coding change: c.362T>C on transcript NM_001252024.2 (MANE Select); coding-DNA position 362, T replaced by C.
Protein change: p.Leu121Pro; replaces leucine 121 with proline.
Molecular consequence: missense variant.
Genome position (GRCh38, 1-based): chr15:31,068,010, A>G on the plus strand (T>C on the coding strand, the complement: TRPM1 is on the minus strand). VCF-style: chr15-31068010-A-G. GRCh37 (hg19) VCF-style: chr15-31360213-A-G.
Other names: c.413T>C, p.Leu138Pro (NM_001252020.2); c.296T>C, p.Leu99Pro (NM_002420.6); c.413T>C (NM_001252020.1); short protein forms L99P, L121P, L138P.
Identifiers: ClinVar variation 6227 (VCV000006227.14), dbSNP rs191205969, ClinGen allele CA118069.

ClinVar aggregate classification (germline): Conflicting classifications of pathogenicity. Review status: criteria provided, conflicting classifications (1 of 4 stars). 7 submissions from 7 submitters: Pathogenic (4); Likely pathogenic (1); Uncertain significance (1). 1 of the submissions does not count toward it. Last evaluated 2026-09-04.

Conditions:
TRPM1-related disorder. Also called: TRPM1-related condition.
Retinal dystrophy. Also called: Inherited retinal dystrophy. Identifiers: Orphanet 71862, MedGen C0854723, MeSH D058499, MONDO:0019118, HP:0000556.
Congenital stationary night blindness 1C. Also called: Night blindness, congenital stationary (complete), 1C, autosomal recessive. Identifiers: Orphanet 215, MedGen C2750747, MONDO:0013183, OMIM 613216.

Allele frequency attached by ClinVar (database versions not stated): ExAC 0.00010; gnomAD exomes 0.00012 and 0.00032; TOPMed 0.00015; gnomAD 0.00016 and 0.00017; ESP Exome Variant Server 0.00025; 1000 Genomes Project 30x 0.00031; 1000 Genomes Project 0.00040.
gnomAD v4.1: 494 of 1,614,112 alleles (0.031%); highest among the groups gnomAD compares: Non-Finnish European, 0.04%; no homozygotes.

Submissions (7):

GeneDx
Classification: Uncertain significance. Last evaluated: 2026-09-04. Review status: criteria provided, single submitter. Criteria: GeneDx Variant Classification Process June 2021. Collection method: clinical testing. Allele origin: germline.
Comment: In silico analysis supports that this missense variant has a deleterious effect on protein structure/function; This variant is associated with the following publications: (PMID: 30487145, 28559085, 25307992, 19896113, 31589614, 29522070, 38448886, 38522615, 37734845, 38219857, 35456422, 35633130, 39109318, 19896109)

PreventionGenetics, part of Exact Sciences
Classification: Pathogenic for TRPM1-related condition. Last evaluated: 2026-08-25. Review status: criteria provided, single submitter. Criteria: ACMG Guidelines, 2015. Collection method: clinical testing. Allele origin: germline.
Comment: The TRPM1 c.413T>C variant is predicted to result in the amino acid substitution p.Leu138Pro. This variant is also known as c.296T>C (p.Leu99Pro) in transcript NM_002420. This variant has been identified in the homozygous and compound heterozygous states in individuals with congenital stationary night blindness (see for examples: van Genderen et al. 2009. PubMed ID: 19896109; Table S1, Stone et al. 2017. PubMed ID: 28559085; Table S1, Lin et al. 2024. PubMed ID: 38219857). This variant is present in 0.026% of alleles in individuals of European (Non-Finnish) descent in gnomAD. Given the evidence, we interpret this variant as pathogenic.

Victorian Clinical Genetics Services, Murdoch Childrens Research Institute
Classification: Pathogenic for Congenital stationary night blindness 1C. Last evaluated: 2025-11-26. Review status: criteria provided, single submitter. Criteria: ACMG Guidelines, 2015. Collection method: clinical testing. Allele origin: germline. Affected: yes.
Comment: This variant is classified as Pathogenic. Evidence in support of pathogenic classification: Variant is present in gnomAD <0.01 for a recessive condition (v4: 494 heterozygote(s), 0 homozygote(s)); This variant has strong previous evidence of pathogenicity in unrelated individuals. This variant has been classified as pathogenic, likely pathogenic and as a VUS by clinical laboratories in ClinVar. It has also been reported in the literature in individuals with eye abnormalities including congenital stationary night blindness (PMIDs: 35633130, 19896113, 19896109, 29522070, 35456422, 32856788); Missense variant predicted to be damaging by in silico tool(s) or highly conserved with a major amino acid change. Additional information: Variant is predicted to result in a missense amino acid change from Leu to Pro; This variant is heterozygous; This gene is associated with autosomal recessive disease; Alternative amino acid change(s) at the same position are present in gnomAD (highest allele count: v4: 1 heterozygote(s), 0 homozygote(s)); No comparable missense variants have previous evidence for pathogenicity; Variant is located in the annotated LSDAT_euk domain (DECIPHER); Loss of function is a known mechanism of disease in this gene and is associated with autosomal recessive congenital stationary (complete) night blindness, 1C (MIM#613216); Heterozygous variant detected in trans with a second PATHOGENIC heterozygous variant (NM_001252024.2(TRPM1):c.281A>G; p.(Tyr94Cys)) in a recessive disease; Inheritance information for this variant is not currently available in this individual.

Labcorp Genetics (formerly Invitae), Labcorp
Classification: Pathogenic. Last evaluated: 2025-11-05. Review status: criteria provided, single submitter. Criteria: Invitae Variant Classification Sherloc (09022015). Collection method: clinical testing. Allele origin: germline.
Comment: This sequence change replaces leucine, which is neutral and non-polar, with proline, which is neutral and non-polar, at codon 99 of the TRPM1 protein (p.Leu99Pro). This variant is present in population databases (rs191205969, gnomAD 0.02%). This missense change has been observed in individual(s) with congenital stationary night blindness (PMID: 19896109, 19896113, 28559085, 29522070). In at least one individual the data is consistent with being in trans (on the opposite chromosome) from a pathogenic variant. ClinVar contains an entry for this variant (Variation ID: 6227). Invitae Evidence Modeling of protein sequence and biophysical properties (such as structural, functional, and spatial information, amino acid conservation, physicochemical variation, residue mobility, and thermodynamic stability) indicates that this missense variant is expected to disrupt TRPM1 protein function with a positive predictive value of 95%. For these reasons, this variant has been classified as Pathogenic.

Blueprint Genetics
Classification: Pathogenic for TRPM1-related disorders. Last evaluated: 2024-03-20. Review status: criteria provided, single submitter. Criteria: ACMG Guidelines, 2015. Collection method: clinical testing. Allele origin: germline. Affected: yes. Observed: 5 variant alleles.

Institute of Human Genetics, Univ. Regensburg, Univ. Regensburg
Classification: Likely pathogenic for Retinal dystrophy. Last evaluated: 2022-01-01. Review status: criteria provided, single submitter. Criteria: ACMG Guidelines, 2015. Collection method: clinical testing. Allele origin: germline. Affected: yes.

OMIM
Classification: Pathogenic for NIGHT BLINDNESS, CONGENITAL STATIONARY, TYPE 1C. Last evaluated: 2009-11-01. Review status: no assertion criteria provided. Collection method: literature only. Allele origin: germline. Not counted in ClinVar's aggregate classification.

Literature cited by the submitters: PubMed 19896113 (cited by 3 submitters); PubMed 35633130 (cited by Victorian Clinical Genetics Services, Murdoch Childrens Research Institute and Institute of Human Genetics, Univ. Regensburg, Univ. Regensburg); PubMed 29522070 (cited by Victorian Clinical Genetics Services, Murdoch Childrens Research Institute and Labcorp Genetics (formerly Invitae), Labcorp); PubMed 19896109 (cited by 4 submitters); PubMed 32856788 (cited by Victorian Clinical Genetics Services, Murdoch Childrens Research Institute); PubMed 35456422 (cited by Victorian Clinical Genetics Services, Murdoch Childrens Research Institute and Institute of Human Genetics, Univ. Regensburg, Univ. Regensburg); PubMed 28559085 (cited by Labcorp Genetics (formerly Invitae), Labcorp and Institute of Human Genetics, Univ. Regensburg, Univ. Regensburg); PubMed 30487145 (cited by Institute of Human Genetics, Univ. Regensburg, Univ. Regensburg); PubMed 31589614 (cited by Institute of Human Genetics, Univ. Regensburg, Univ. Regensburg).